The following is an entry in ClinVar:

ClinVar aggregate classification (germline): Benign. Review status: criteria provided, multiple submitters, no conflicts (2 of 4 stars). 4 submissions from 4 submitters: Benign (4). Last evaluated 2021-07-15.

Conditions:
Spermatogenic failure 43. Identifiers: MedGen C5231490, MONDO:0032898, OMIM 618751.

Allele frequency attached by ClinVar (database versions not stated): 1000 Genomes Project 30x 0.72220; TOPMed 0.74409; gnomAD 0.75101 and 0.75201; gnomAD exomes 0.75515 and 0.77841; ExAC 0.75556; ESP Exome Variant Server 0.75656.
gnomAD v4.1: 1,250,729 of 1,612,208 alleles (78%); highest among the groups gnomAD compares: Middle Eastern, 82%; 486,889 homozygotes.

Submissions (4):

Genome-Nilou Lab
Classification: Benign for Spermatogenic failure 43. Last evaluated: 2021-07-15. Review status: criteria provided, single submitter. Criteria: ACMG Guidelines, 2015. Collection method: clinical testing. Allele origin: germline. Affected: no.

GeneDx
Classification: Benign. Last evaluated: 2021-05-04. Review status: criteria provided, single submitter. Criteria: GeneDx Variant Classification Process June 2021. Collection method: clinical testing. Allele origin: germline. Affected: yes.

Laboratory for Molecular Medicine, Mass General Brigham Personalized Medicine
Classification: Benign. Last evaluated: 2016-03-29. Review status: criteria provided, single submitter. Criteria: LMM Criteria. Collection method: clinical testing. Allele origin: germline.
Comment: Variant identified in a genome or exome case(s) and assessed due to predicted null impact of the variant or pathogenic assertions in the literature or databases. Disclaimer: This variant has not undergone full assessment. The following are preliminary notes: Frequency

Breakthrough Genomics
Classification: Benign. Review status: criteria provided, single submitter. Criteria: ACMG Guidelines, 2015. Collection method: not provided. Allele origin: germline. Inheritance: Autosomal recessive inheritance. Affected: yes.

NM_024867.4(SPEF2):c.2711C>T (p.Ala904Val)

Gene: SPEF2 (sperm flagellar 2; plus strand). Cytogenetic location: 5p13.2.
Variant type: single nucleotide variant.
Coding change: c.2711C>T on transcript NM_024867.4 (MANE Select); coding-DNA position 2711, C replaced by T.
Protein change: p.Ala904Val; replaces alanine 904 with valine.
Molecular consequence: missense variant.
Genome position (GRCh38, 1-based): chr5:35,708,993, C>T. VCF-style: chr5-35708993-C-T. GRCh37 (hg19) VCF-style: chr5-35709095-C-T.
Other names: short protein forms A904V.
Identifiers: ClinVar variation 403478 (VCV000403478.8), dbSNP rs13170082, ClinGen allele CA3230878.